The following is an entry in ClinVar:

NM_002971.6(SATB1):c.1779+648C>T

Gene: SATB1 (SATB homeobox 1; minus strand). Cytogenetic location: 3p24.3.
Variant type: single nucleotide variant.
Coding change: c.1779+648C>T on transcript NM_002971.6 (MANE Select); 648 bases into the intron after coding-DNA position 1779, C replaced by T.
Molecular consequence: intron variant. On other transcripts: missense variant (2).
Genome position (GRCh38, 1-based): chr3:18,351,344, G>A on the plus strand (C>T on the coding strand, the complement: SATB1 is on the minus strand). VCF-style: chr3-18351344-G-A. GRCh37 (hg19) VCF-style: chr3-18392836-G-A.
Other names: c.1844C>T, p.Thr615Ile (NM_001195470.3, NM_001322871.2); c.1779+648C>T (NM_001322874.2, NM_001322872.2, NM_001322873.2 and 2 more transcripts); c.1563+648C>T (NM_001322876.2); c.1844C>T (NM_001195470.2); short protein forms T615I.
Identifiers: ClinVar variation 4159712 (VCV004159712.2).
Genomic context (GRCh38, chr3:18,351,344, plus strand): 5'-TGGTGGCATAGGTAACTGTGCCCGCTCACCTGAGGAGCAGCACCGAGCCATGGTGCAGGG[G>A]TCGGCAGGCCTGGTAAGAAAACGCCTCTAGACTCTCCTTTCCCAAGGGTGGTGGGAGAGG-3'

ClinVar aggregate classification (germline): Likely benign. Review status: criteria provided, multiple submitters, no conflicts (2 of 4 stars). 2 submissions from 2 submitters: Likely benign (2). Last evaluated 2025-08-13.

Conditions:
SATB1-related disorder. Also called: SATB1-related condition.
Inborn genetic diseases. Identifiers: MedGen C0950123, MeSH D030342.

gnomAD v4.1: 99 of 1,553,502 alleles (0.0064%); highest among the groups gnomAD compares: African/African-American, 0.1%; no homozygotes.

Submissions (2):

Ambry Genetics
Classification: Likely benign for Inborn genetic diseases. Last evaluated: 2025-08-13. Review status: criteria provided, single submitter. Criteria: Ambry Variant Classification Scheme 2023. Collection method: clinical testing. Allele origin: germline.

PreventionGenetics, part of Exact Sciences
Classification: Likely benign for SATB1-related condition. Last evaluated: 2025-02-26. Review status: criteria provided, single submitter. Criteria: ACMG Guidelines, 2015. Collection method: clinical testing. Allele origin: germline.
Comment: This variant is classified as likely benign based on ACMG/AMP sequence variant interpretation guidelines (Richards et al. 2015 PMID: 25741868, with internal and published modifications).